The following is an entry in ClinVar:

NM_001261826.3(AP3D1):c.1803_1859+5del

Gene: AP3D1 (adaptor related protein complex 3 subunit delta 1; minus strand). Cytogenetic location: 19p13.3.
Variant type: Deletion.
Coding change: c.1803_1859+5del on transcript NM_001261826.3 (MANE Select); coding-DNA position 1803 through 5 bases into the intron after coding-DNA position 1859, 62 bases deleted.
Molecular consequence: splice donor variant.
Genome position (GRCh38, 1-based): chr19:2,117,217-2,117,278, 62 bases deleted. GRCh37 (hg19): chr19:2,117,216-2,117,277.
Other names: c.1803_1859+5del (NM_003938.8, NM_001374799.1).
Identifiers: ClinVar variation 4071535 (VCV004071535.1).

ClinVar aggregate classification (germline): Uncertain significance (1 of 4 stars; one submission).

Conditions:
Hermansky-Pudlak syndrome 10 (HPS10). Identifiers: Orphanet 664511, MedGen C4310746, MONDO:0014885, OMIM 617050.

Submission:

Next Generation Genetic Polyclinic
Classification: Uncertain significance for Hermansky-Pudlak syndrome 10. Last evaluated: 2025-04-17. Review status: criteria provided, single submitter. Criteria: ACMG Guidelines, 2015. Collection method: curation. Allele origin: germline. Affected: yes. Observed: 1 variant allele.
Comment: A novel deletion variant in the AP3D1 gene (c.1803_1859+5del) was identified by curation in a homozygous state. The variant is novel with no population frequency data and uncertain clinical significance, currently classified as a Variant of Uncertain Significance (VUS).